The following is an entry in ClinVar:

ClinVar aggregate classification (germline): Uncertain significance. Review status: criteria provided, multiple submitters, no conflicts (2 of 4 stars). 2 submissions from 2 submitters: Uncertain significance (2). Last evaluated 2024-05-03.

Allele frequency attached by ClinVar (database versions not stated): ExAC 0.00001; gnomAD 0.00002; TOPMed 0.00002.
gnomAD v4.1: 3 of 1,613,698 alleles (0.00019%); highest among the groups gnomAD compares: African/African-American, 0.004%; no homozygotes.

Submissions (2):

GeneDx
Classification: Uncertain significance. Last evaluated: 2024-05-03. Review status: criteria provided, single submitter. Criteria: GeneDx Variant Classification Process June 2021. Collection method: clinical testing. Allele origin: germline. Affected: yes.
Comment: Not observed at significant frequency in large population cohorts (gnomAD); In silico analysis indicates that this missense variant does not alter protein structure/function; Has not been previously published as pathogenic or benign to our knowledge

Labcorp Genetics (formerly Invitae), Labcorp
Classification: Uncertain significance. Last evaluated: 2022-07-06. Review status: criteria provided, single submitter. Criteria: Invitae Variant Classification Sherloc (09022015). Collection method: clinical testing. Allele origin: germline.
Comment: In summary, the available evidence is currently insufficient to determine the role of this variant in disease. Therefore, it has been classified as a Variant of Uncertain Significance. Algorithms developed to predict the effect of missense changes on protein structure and function (SIFT, PolyPhen-2, Align-GVGD) all suggest that this variant is likely to be tolerated. This variant has not been reported in the literature in individuals affected with PDHX-related conditions. This variant is present in population databases (rs755687648, gnomAD 0.008%). This sequence change replaces proline, which is neutral and non-polar, with serine, which is neutral and polar, at codon 359 of the PDHX protein (p.Pro359Ser).

NM_003477.3(PDHX):c.1075C>T (p.Pro359Ser)

Gene: PDHX (pyruvate dehydrogenase complex component X; plus strand). Cytogenetic location: 11p13.
Variant type: single nucleotide variant.
Coding change: c.1075C>T on transcript NM_003477.3 (MANE Select); coding-DNA position 1075, C replaced by T.
Protein change: p.Pro359Ser; replaces proline 359 with serine.
Molecular consequence: missense variant.
Genome position (GRCh38, 1-based): chr11:34,984,621, C>T. VCF-style: chr11-34984621-C-T. GRCh37 (hg19) VCF-style: chr11-35006168-C-T.
Other names: c.895C>T, p.Pro299Ser (NM_001135024.2); c.394C>T, p.Pro132Ser (NM_001166158.2); c.1075C>T (NM_003477.2); short protein forms P299S, P359S, P132S.
Identifiers: ClinVar variation 1989000 (VCV001989000.5), dbSNP rs755687648, ClinGen allele CA5946096.
Genomic context (GRCh38, chr11:34,984,621, plus strand): 5'-TATTTCTAGCAAATGCCAGATGTTAATGTAAGCTGGGATGGAGAGGGCCCAAAGCAACTG[C>T]CATTTATTGACATTTCAGTGGCTGTGGCAACAGATAAAGGCTTACTTACTCCAATCATAA-3'
Protein context (NP_003468.2, residues 349-369): SWDGEGPKQL[Pro359Ser]FIDISVAVAT